The following is an entry in ClinVar:

NM_000051.4(ATM):c.4750A>G (p.Ser1584Gly)

Gene: ATM (ATM serine/threonine kinase; plus strand). Cytogenetic location: 11q22.3.
Variant type: single nucleotide variant.
Coding change: c.4750A>G on transcript NM_000051.4 (MANE Select); coding-DNA position 4750, A replaced by G.
Protein change: p.Ser1584Gly; replaces serine 1584 with glycine.
Molecular consequence: missense variant.
Genome position (GRCh38, 1-based): chr11:108,293,451, A>G. VCF-style: chr11-108293451-A-G. GRCh37 (hg19) VCF-style: chr11-108164178-A-G.
Other names: c.4750A>G, p.Ser1584Gly (NM_001351834.2); short protein forms S1584G.
Identifiers: ClinVar variation 3015563 (VCV003015563.4), dbSNP rs2546932148, ClinGen allele CA382535114.

ClinVar aggregate classification (germline): Uncertain significance. Review status: criteria provided, multiple submitters, no conflicts (2 of 4 stars). 2 submissions from 2 submitters: Uncertain significance (2). Last evaluated 2025-07-09.

Conditions:
Hereditary cancer-predisposing syndrome. Also called: Hereditary neoplastic syndrome; Hereditary Cancer Syndrome; Neoplastic Syndromes, Hereditary; Tumor predisposition. Identifiers: Orphanet 140162, MedGen C0027672, MeSH D009386, MONDO:0015356.
Ataxia-telangiectasia syndrome (AT). Also called: LOUIS-BAR SYNDROME; Cerebello-oculocutaneous telangiectasia; Immunodeficiency with ataxia telangiectasia; Ataxia-telangiectasia, complementation group D; Ataxia-telangiectasia, complementation group E; Ataxia telangiectasia (A-T). Identifiers: Orphanet 100, MedGen C0004135, MONDO:0008840, OMIM 208900.

Submissions (2):

Labcorp Genetics (formerly Invitae), Labcorp
Classification: Uncertain significance for Ataxia-telangiectasia syndrome. Last evaluated: 2025-07-09. Review status: criteria provided, single submitter. Criteria: Invitae Variant Classification Sherloc (09022015). Collection method: clinical testing. Allele origin: germline.
Comment: This sequence change replaces serine, which is neutral and polar, with glycine, which is neutral and non-polar, at codon 1584 of the ATM protein (p.Ser1584Gly). This variant is not present in population databases (gnomAD no frequency). This variant has not been reported in the literature in individuals affected with ATM-related conditions. ClinVar contains an entry for this variant (Variation ID: 3015563). Invitae Evidence Modeling of protein sequence and biophysical properties (such as structural, functional, and spatial information, amino acid conservation, physicochemical variation, residue mobility, and thermodynamic stability) indicates that this missense variant is not expected to disrupt ATM protein function with a negative predictive value of 95%. In summary, the available evidence is currently insufficient to determine the role of this variant in disease. Therefore, it has been classified as a Variant of Uncertain Significance.

Ambry Genetics
Classification: Uncertain significance for Hereditary cancer-predisposing syndrome. Last evaluated: 2023-02-10. Review status: criteria provided, single submitter. Criteria: Ambry Variant Classification Scheme 2023. Collection method: clinical testing. Allele origin: germline.
Comment: The p.S1584G variant (also known as c.4750A>G), located in coding exon 30 of the ATM gene, results from an A to G substitution at nucleotide position 4750. The serine at codon 1584 is replaced by glycine, an amino acid with similar properties. This amino acid position is conserved. In addition, this alteration is predicted to be tolerated by in silico analysis. Since supporting evidence is limited at this time, the clinical significance of this alteration remains unclear.